The following is an entry in ClinVar:

ClinVar aggregate classification (germline): Uncertain significance (1 of 4 stars; one submission).

Conditions:
Birt-Hogg-Dube syndrome. Also called: Birt Hogg Dubé syndrome. Identifiers: Orphanet 122, MedGen C0346010, MONDO:0800444.

Submission:

Labcorp Genetics (formerly Invitae), Labcorp
Classification: Uncertain significance for Birt-Hogg-Dube syndrome. Last evaluated: 2024-02-07. Review status: criteria provided, single submitter. Criteria: Invitae Variant Classification Sherloc (09022015). Collection method: clinical testing. Allele origin: germline.
Comment: This sequence change replaces histidine, which is basic and polar, with arginine, which is basic and polar, at codon 61 of the FLCN protein (p.His61Arg). This variant is not present in population databases (gnomAD no frequency). This variant has not been reported in the literature in individuals affected with FLCN-related conditions. Advanced modeling of protein sequence and biophysical properties (such as structural, functional, and spatial information, amino acid conservation, physicochemical variation, residue mobility, and thermodynamic stability) performed at Invitae indicates that this missense variant is not expected to disrupt FLCN protein function with a negative predictive value of 80%. In summary, the available evidence is currently insufficient to determine the role of this variant in disease. Therefore, it has been classified as a Variant of Uncertain Significance.

NM_144997.7(FLCN):c.182A>G (p.His61Arg)

Gene: FLCN (folliculin; minus strand). Cytogenetic location: 17p11.2.
Variant type: single nucleotide variant.
Coding change: c.182A>G on transcript NM_144997.7 (MANE Select); coding-DNA position 182, A replaced by G.
Protein change: p.His61Arg; replaces histidine 61 with arginine.
Molecular consequence: missense variant.
Genome position (GRCh38, 1-based): chr17:17,227,956, T>C on the plus strand (A>G on the coding strand, the complement: FLCN is on the minus strand). VCF-style: chr17-17227956-T-C. GRCh37 (hg19) VCF-style: chr17-17131270-T-C.
Other names: c.182A>G, p.His61Arg (NM_001353229.2, NM_001353230.2, NM_001353231.2 and 1 more transcripts); short protein forms H61R.
Identifiers: ClinVar variation 3703053 (VCV003703053.2).